The following is an entry in ClinVar:

NM_006767.4(LZTR1):c.1247T>G (p.Met416Arg)

Gene: LZTR1 (leucine zipper like post translational regulator 1; plus strand). Cytogenetic location: 22q11.21.
Variant type: single nucleotide variant.
Coding change: c.1247T>G on transcript NM_006767.4 (MANE Select); coding-DNA position 1247, T replaced by G.
Protein change: p.Met416Arg; replaces methionine 416 with arginine.
Molecular consequence: missense variant.
Genome position (GRCh38, 1-based): chr22:20,992,891, T>G. VCF-style: chr22-20992891-T-G. GRCh37 (hg19) VCF-style: chr22-21347180-T-G.
Other names: short protein forms M416R.
Identifiers: ClinVar variation 1759865 (VCV001759865.6), dbSNP rs1307964821, ClinGen allele CA410774103.

ClinVar aggregate classification (germline): Conflicting classifications of pathogenicity. Review status: criteria provided, conflicting classifications (1 of 4 stars). 2 submissions from 2 submitters: Likely pathogenic (1); Uncertain significance (1). Last evaluated 2025-10-07.

Conditions:
Hereditary cancer-predisposing syndrome. Also called: Neoplastic Syndromes, Hereditary; Tumor predisposition; Hereditary Cancer Syndrome; Hereditary neoplastic syndrome. Identifiers: Orphanet 140162, MedGen C0027672, MeSH D009386, MONDO:0015356.
Cardiovascular phenotype. Identifiers: MedGen CN230736.

Allele frequency attached by ClinVar (database versions not stated): TOPMed below 0.00001; gnomAD 0.00001.
gnomAD v4.1: 2 of 1,602,496 alleles (0.00012%); highest among the groups gnomAD compares: African/African-American, 0.0013%; no homozygotes.

Submissions (2):

Labcorp Genetics (formerly Invitae), Labcorp
Classification: Uncertain significance. Last evaluated: 2025-10-07. Review status: criteria provided, single submitter. Criteria: Invitae Variant Classification Sherloc (09022015). Collection method: clinical testing. Allele origin: germline.
Comment: This sequence change replaces methionine, which is neutral and non-polar, with arginine, which is basic and polar, at codon 416 of the LZTR1 protein (p.Met416Arg). This variant is not present in population databases (gnomAD no frequency). This variant has not been reported in the literature in individuals affected with LZTR1-related conditions. ClinVar contains an entry for this variant (Variation ID: 1759865). Invitae Evidence Modeling of protein sequence and biophysical properties (such as structural, functional, and spatial information, amino acid conservation, physicochemical variation, residue mobility, and thermodynamic stability) indicates that this missense variant is not expected to disrupt LZTR1 protein function with a negative predictive value of 80%. Algorithms developed to predict the effect of sequence changes on RNA splicing suggest that this variant may disrupt the consensus splice site. In summary, the available evidence is currently insufficient to determine the role of this variant in disease. Therefore, it has been classified as a Variant of Uncertain Significance.

Ambry Genetics
Classification: Likely pathogenic for Cardiovascular phenotype; Hereditary cancer-predisposing syndrome. Last evaluated: 2025-01-31. Review status: criteria provided, single submitter. Criteria: Ambry Variant Classification Scheme 2023. Collection method: clinical testing. Allele origin: germline.
Comment: The c.1247T>G variant (also known as p.M416R), located in coding exon 11 of the LZTR1 gene, results from a T to G substitution at nucleotide position 1247. The methionine at codon 416 is replaced by arginine, an amino acid with similar properties. This nucleotide position is highly conserved in available vertebrate species. In silico splice site analysis predicts that this alteration will result in the creation or strengthening of a novel splice donor site. RNA studies have demonstrated that this alteration results in abnormal splicing in the set of samples tested (Ambry internal data). This variant is considered to be rare based on population cohorts in the Genome Aggregation Database (gnomAD). Loss-of-function variants in LZTR1 are related to an increased risk for schwannomas and autosomal recessive Noonan syndrome; however, such associations with autosomal dominant Noonan syndrome have not been observed (Piotrowski A et al. Nat Genet. 2014 Feb;46:182-7; Yamamoto GL et al. J Med Genet. 2015 Jun;52:413-21; Johnston JJ et al. Genet Med. 2018 10;20:1175-1185). Based on the supporting evidence, this variant is likely pathogenic for an increased risk of LZTR1-related schwannomatosis (SWN) and would be expected to cause autosomal recessive Noonan syndrome when present along with a second pathogenic or likely pathogenic variant on the other allele; however, the association of this alteration with autosomal dominant Noonan syndrome is unlikely.

Literature cited by the submitters: PubMed 28594066 (cited by Ambry Genetics).